The following is an entry in ClinVar:

ClinVar aggregate classification (germline): Uncertain significance. Review status: reviewed by expert panel (3 of 4 stars). 2 submissions from 2 submitters: Uncertain significance (1). 1 of the submissions does not count toward it. Last evaluated 2026-08-18.

Conditions:
Alexander disease (ALXDRD). Also called: Alexander's disease. Identifiers: Orphanet 58, MedGen C0270726, MONDO:0008752, OMIM 203450.

Allele frequency attached by ClinVar (database versions not stated): gnomAD exomes below 0.00001; TOPMed below 0.00001.
gnomAD v4.1: 1 of 1,601,944 alleles (0.000062%); highest among the groups gnomAD compares: Non-Finnish European, 0.000086%; no homozygotes.

Submissions (2):

ClinGen Leukodystrophy and Leukoencephalopathy Variant Curation Expert Panel, ClinGen
Classification: Uncertain significance for Alexander disease. Last evaluated: 2026-08-18. Review status: reviewed by expert panel. Criteria: ClinGen Leuko ACMG Specifications GFAP V1.0. Collection method: curation. Allele origin: germline. Inheritance: Autosomal dominant inheritance.
Comment: The NM_002055.5(GFAP):c.1257+1G>A variant in GFAP is a splice site variant at the +1 position of intron 8. This variant is absent from gnomAD v[4.1.1] (PM2_Supporting). In summary, this variant meets the criteria to be classified as variant of unknown certain significance for Alexander Disease based on the ACMG/AMP criteria applied, as specified by the ClinGen Leukodystrophy and Leukoencephalopathy VCEP: PM2_Supporting (ClinGen Leukodystrophy and Leukoencephalopathy VCEP Specifications Version 1.0.0).

Labcorp Genetics (formerly Invitae), Labcorp
Classification: Uncertain significance. Last evaluated: 2025-10-06. Review status: criteria provided, single submitter. Criteria: Invitae Variant Classification Sherloc (09022015). Collection method: clinical testing. Allele origin: germline. Not counted in ClinVar's aggregate classification.
Comment: This sequence change falls in intron 8 of the GFAP gene. It does not directly change the encoded amino acid sequence of the GFAP protein. It affects a nucleotide within the consensus splice site. This variant is not present in population databases (gnomAD no frequency). This variant has not been reported in the literature in individuals affected with GFAP-related conditions. ClinVar contains an entry for this variant (Variation ID: 1969980). Variants that disrupt the consensus splice site are a relatively common cause of aberrant splicing (PMID: 17576681, 9536098). Algorithms developed to predict the effect of sequence changes on RNA splicing suggest that this variant may disrupt the consensus splice site. In summary, the available evidence is currently insufficient to determine the role of this variant in disease. Therefore, it has been classified as a Variant of Uncertain Significance.

Literature cited by the submitters: PubMed 17576681 (cited by Labcorp Genetics (formerly Invitae), Labcorp); PubMed 9536098 (cited by Labcorp Genetics (formerly Invitae), Labcorp).

NM_002055.5(GFAP):c.1257+1G>A

Gene: GFAP (glial fibrillary acidic protein; minus strand). Cytogenetic location: 17q21.31.
Variant type: single nucleotide variant.
Coding change: c.1257+1G>A on transcript NM_002055.5 (MANE Select); the canonical splice donor site of the intron after coding-DNA position 1257, G replaced by A.
Molecular consequence: splice donor variant.
Genome position (GRCh38, 1-based): chr17:44,908,063, C>T on the plus strand (G>A on the coding strand, the complement: GFAP is on the minus strand). VCF-style: chr17-44908063-C-T. GRCh37 (hg19) VCF-style: chr17-42985431-C-T.
Other names: c.1377+1G>A (NM_001363846.2).
Identifiers: ClinVar variation 1969980 (VCV001969980.6), dbSNP rs2051679937, ClinGen allele CA399838746.